The following is an entry in ClinVar:

NM_017757.3(ZNF407):c.2225A>C (p.Tyr742Ser)

Gene: ZNF407 (zinc finger protein 407; plus strand). Cytogenetic location: 18q22.3.
Variant type: single nucleotide variant.
Coding change: c.2225A>C on transcript NM_017757.3 (MANE Select); coding-DNA position 2225, A replaced by C.
Protein change: p.Tyr742Ser; replaces tyrosine 742 with serine.
Molecular consequence: missense variant.
Genome position (GRCh38, 1-based): chr18:74,633,244, A>C. VCF-style: chr18-74633244-A-C. GRCh37 (hg19) VCF-style: chr18-72345200-A-C.
Other names: c.2225A>C, p.Tyr742Ser (NM_001146189.1, NM_001146190.1, NM_001384475.1); short protein forms Y742S.
Identifiers: ClinVar variation 3253431 (VCV003253431.1), dbSNP rs2511899361.

ClinVar aggregate classification (germline): Uncertain significance (1 of 4 stars; one submission).

Submission:

GeneDx
Classification: Uncertain significance. Last evaluated: 2023-12-08. Review status: criteria provided, single submitter. Criteria: GeneDx Variant Classification Process June 2021. Collection method: clinical testing. Allele origin: germline. Affected: yes.
Comment: Not observed at significant frequency in large population cohorts (gnomAD); In silico analysis supports that this missense variant has a deleterious effect on protein structure/function; Has not been previously published as pathogenic or benign to our knowledge.